The following is an entry in ClinVar:

NM_020699.4(GATAD2B):c.458T>C (p.Met153Thr)

Gene: GATAD2B (GATA zinc finger domain containing 2B; minus strand). Cytogenetic location: 1q21.3.
Variant type: single nucleotide variant.
Coding change: c.458T>C on transcript NM_020699.4 (MANE Select); coding-DNA position 458, T replaced by C.
Protein change: p.Met153Thr; replaces methionine 153 with threonine.
Molecular consequence: missense variant.
Genome position (GRCh38, 1-based): chr1:153,819,613, A>G on the plus strand (T>C on the coding strand, the complement: GATAD2B is on the minus strand). VCF-style: chr1-153819613-A-G. GRCh37 (hg19) VCF-style: chr1-153792089-A-G.
Other names: short protein forms M153T.
Identifiers: ClinVar variation 2973891 (VCV002973891.3), dbSNP rs953456792, ClinGen allele CA30710932.

ClinVar aggregate classification (germline): Uncertain significance (1 of 4 stars; one submission).

Allele frequency attached by ClinVar (database versions not stated): TOPMed below 0.00001; gnomAD 0.00001; gnomAD exomes 0.00001.

Submission:

Labcorp Genetics (formerly Invitae), Labcorp
Classification: Uncertain significance. Last evaluated: 2022-12-17. Review status: criteria provided, single submitter. Criteria: Invitae Variant Classification Sherloc (09022015). Collection method: clinical testing. Allele origin: germline.
Comment: This variant has not been reported in the literature in individuals affected with GATAD2B-related conditions. In summary, the available evidence is currently insufficient to determine the role of this variant in disease. Therefore, it has been classified as a Variant of Uncertain Significance. Advanced modeling of protein sequence and biophysical properties (such as structural, functional, and spatial information, amino acid conservation, physicochemical variation, residue mobility, and thermodynamic stability) performed at Invitae indicates that this missense variant is not expected to disrupt GATAD2B protein function. This variant is not present in population databases (gnomAD no frequency). This sequence change replaces methionine, which is neutral and non-polar, with threonine, which is neutral and polar, at codon 153 of the GATAD2B protein (p.Met153Thr).